The following is an entry in ClinVar:

ClinVar aggregate classification (germline): Uncertain significance. Review status: criteria provided, multiple submitters, no conflicts (2 of 4 stars). 2 submissions from 2 submitters: Uncertain significance (2). Last evaluated 2017-06-30.

Conditions:
Familial thoracic aortic aneurysm and aortic dissection (TAAD). Also called: Thoracic aortic aneurysms and dissections. Identifiers: Orphanet 91387, MedGen C4707243, MONDO:0019625.

Allele frequency attached by ClinVar (database versions not stated): gnomAD exomes below 0.00001.

Submissions (2):

CeGaT Center for Human Genetics Tuebingen
Classification: Uncertain significance. Last evaluated: 2017-06-30. Review status: criteria provided, single submitter. Criteria: Praxis fuer Humangenetik Tuebingen - Variant Classification Criteria. Collection method: clinical testing. Allele origin: germline. Affected: yes. Observed: 3 variant alleles.

Ambry Genetics
Classification: Uncertain significance for Familial thoracic aortic aneurysm and aortic dissection. Last evaluated: 2015-12-31. Review status: criteria provided, single submitter. Criteria: Ambry Variant Classification Scheme 2023. Collection method: clinical testing. Allele origin: germline.
Comment: The p.A21V variant (also known as c.62C>T), located in coding exon 1 of the TGFBR1 gene, results from a C to T substitution at nucleotide position 62. The alanine at codon 21 is replaced by valine, an amino acid with similar properties. This variant was not reported in population based cohorts in the following databases: Database of Single Nucleotide Polymorphisms (dbSNP), NHLBI Exome Sequencing Project (ESP), and 1000 Genomes Project. In the ESP, this variant was not observed in 154 samples (308 alleles) with coverage at this position. This amino acid position is highly conserved on limited sequence alignment. In addition, this alteration is predicted to be tolerated by SIFT in silico analysis. Since supporting evidence is limited at this time, the clinical significance of this variant remains unclear.

NM_004612.4(TGFBR1):c.62C>T (p.Ala21Val)

Gene: TGFBR1 (transforming growth factor beta receptor 1; plus strand). Cytogenetic location: 9q22.33.
Variant type: single nucleotide variant.
Coding change: c.62C>T on transcript NM_004612.4 (MANE Select); coding-DNA position 62, C replaced by T.
Protein change: p.Ala21Val; replaces alanine 21 with valine.
Molecular consequence: missense variant.
Genome position (GRCh38, 1-based): chr9:99,105,267, C>T. VCF-style: chr9-99105267-C-T. GRCh37 (hg19) VCF-style: chr9-101867549-C-T.
Other names: c.62C>T, p.Ala21Val (NM_001130916.3, NM_001306210.2); short protein forms A21V.
Identifiers: ClinVar variation 444775 (VCV000444775.6), dbSNP rs1554695407, ClinGen allele CA374223772.
Genomic context (GRCh38, chr9:99,105,267, plus strand): 5'-TGGAGGCGGCGGTCGCTGCTCCGCGTCCCCGGCTGCTCCTCCTCGTGCTGGCGGCGGCGG[C>T]GGCGGCGGCGGCGGCGCTGCTCCCGGGGGCGACGGGTGAGCGGCGGCGCGGCGGGCGGGC-3'
Protein context (NP_004603.1, residues 11-31): RLLLLVLAAA[Ala21Val]AAAAALLPGA